The following is an entry in ClinVar:

NM_001042492.3(NF1):c.4796C>T (p.Ser1599Phe)

Gene: NF1 (neurofibromin 1; plus strand). Cytogenetic location: 17q11.2.
Variant type: single nucleotide variant.
Coding change: c.4796C>T on transcript NM_001042492.3 (MANE Select); coding-DNA position 4796, C replaced by T.
Protein change: p.Ser1599Phe; replaces serine 1599 with phenylalanine.
Molecular consequence: missense variant.
Genome position (GRCh38, 1-based): chr17:31,265,300, C>T. VCF-style: chr17-31265300-C-T. GRCh37 (hg19) VCF-style: chr17-29592318-C-T.
Other names: c.4733C>T, p.Ser1578Phe (NM_000267.4); short protein forms S1599F, S1578F.
Identifiers: ClinVar variation 825131 (VCV000825131.9), dbSNP rs1555619407, ClinGen allele CA399001309.

ClinVar aggregate classification (germline): Conflicting classifications of pathogenicity. Review status: criteria provided, conflicting classifications (1 of 4 stars). 3 submissions from 3 submitters: Likely pathogenic (1); Uncertain significance (2). Last evaluated 2026-08-05.

Conditions:
Hereditary cancer-predisposing syndrome. Also called: Tumor predisposition; Hereditary neoplastic syndrome; Neoplastic Syndromes, Hereditary; Hereditary Cancer Syndrome. Identifiers: Orphanet 140162, MedGen C0027672, MeSH D009386, MONDO:0015356.
Cardiovascular phenotype. Identifiers: MedGen CN230736.
Juvenile myelomonocytic leukemia (JMML). Also called: LEUKEMIA, JUVENILE MYELOMONOCYTIC, SOMATIC. Identifiers: Orphanet 86834, MedGen C0349639, MONDO:0011908, OMIM 607785, HP:0012209.
Neurofibromatosis, type 1 (NF1). Also called: VON RECKLINGHAUSEN DISEASE; NEUROFIBROMATOSIS, TYPE I, SOMATIC; Peripheral type neurofibromatosis; Neurofibromatosis, type I. Identifiers: Orphanet 636, MedGen C0027831, MONDO:0018975, OMIM 162200. Disease mechanism: loss of function.

Submissions (3):

Ambry Genetics
Classification: Likely pathogenic for Cardiovascular phenotype; Hereditary cancer-predisposing syndrome. Last evaluated: 2026-08-05. Review status: criteria provided, single submitter. Criteria: Ambry Variant Classification Scheme 2023. Collection method: clinical testing. Allele origin: germline.
Comment: The p.S1578F variant (also known as c.4733C>T), located in coding exon 35 of the NF1 gene, results from a C to T substitution at nucleotide position 4733. The serine at codon 1578 is replaced by phenylalanine, an amino acid with highly dissimilar properties. This variant was reported in individual(s) with features consistent with neurofibromatosis type 1 (Bendova S et al. J. Mol. Neurosci. 2007;31:273-9). Based on internal structural analysis, this variant is more disruptive than known pathogenic variants (Welti S et al. Hum Mutat. 2011 Feb;32(2):191-7; Ambry internal data). This missense variant is located in a region that has a low rate of benign missense variation (Lek M et al. Nature. 2016 Aug 18;536(7616):285-91; DECIPHER: Database of Chromosomal Imbalance and Phenotype in Humans using Ensembl Resources. Firth H.V. et al. 2009. Am.J.Hum.Genet. 84, 524-533 (DOI)). This amino acid position is highly conserved in available vertebrate species. In addition, this alteration is predicted to be deleterious by in silico analysis. This variant is considered to be rare based on population cohorts in the Genome Aggregation Database (gnomAD). Based on the majority of available evidence to date, this variant is likely to be pathogenic.

Baylor Genetics
Classification: Uncertain significance for Juvenile myelomonocytic leukemia. Last evaluated: 2023-07-08. Review status: criteria provided, single submitter. Criteria: ACMG Guidelines, 2015. Collection method: clinical testing. Allele origin: unknown.

Genome Diagnostics Laboratory, The Hospital for Sick Children
Classification: Uncertain significance for Neurofibromatosis, type 1. Last evaluated: 2020-10-26. Review status: criteria provided, single submitter. Criteria: ACMG Guidelines, 2015. Collection method: clinical testing. Allele origin: germline. Affected: yes.

Literature cited by the submitters: PubMed 17726231 (cited by Ambry Genetics).